The following is an entry in ClinVar:

NM_001029896.2(WDR45):c.290T>G (p.Leu97Arg)

Gene: WDR45 (WD repeat domain 45; minus strand). Cytogenetic location: Xp11.23.
Variant type: single nucleotide variant.
Coding change: c.290T>G on transcript NM_001029896.2 (MANE Select); coding-DNA position 290, T replaced by G.
Protein change: p.Leu97Arg; replaces leucine 97 with arginine.
Molecular consequence: missense variant.
Genome position (GRCh38, 1-based): chrX:49,076,696, A>C on the plus strand (T>G on the coding strand, the complement: WDR45 is on the minus strand). VCF-style: chrX-49076696-A-C. GRCh37 (hg19) VCF-style: chrX-48934355-A-C.
Other names: c.293T>G, p.Leu98Arg (NM_007075.4); short protein forms L98R, L97R.
Identifiers: ClinVar variation 1484760 (VCV001484760.8), dbSNP rs2147816567, ClinGen allele CA412948365.

ClinVar aggregate classification (germline): Uncertain significance (1 of 4 stars; one submission).

Conditions:
Neurodegeneration with brain iron accumulation 5 (NBIA5). Also called: Beta-propeller protein-associated neurodegeneration; STATIC ENCEPHALOPATHY OF CHILDHOOD WITH NEURODEGENERATION IN ADULTHOOD. Identifiers: Orphanet 329284, MedGen C3550973, MONDO:0010476, OMIM 300894.

Submission:

Labcorp Genetics (formerly Invitae), Labcorp
Classification: Uncertain significance for Neurodegeneration with brain iron accumulation 5. Last evaluated: 2021-06-18. Review status: criteria provided, single submitter. Criteria: Invitae Variant Classification Sherloc (09022015). Collection method: clinical testing. Allele origin: germline.
Comment: This sequence change replaces leucine with arginine at codon 98 of the WDR45 protein (p.Leu98Arg). The leucine residue is highly conserved and there is a moderate physicochemical difference between leucine and arginine. This variant is not present in population databases (ExAC no frequency). This variant has not been reported in the literature in individuals with WDR45-related conditions. Algorithms developed to predict the effect of missense changes on protein structure and function are either unavailable or do not agree on the potential impact of this missense change (SIFT: "Deleterious"; PolyPhen-2: "Benign"; Align-GVGD: "Class C45"). In summary, the available evidence is currently insufficient to determine the role of this variant in disease. Therefore, it has been classified as a Variant of Uncertain Significance.